The following is an entry in ClinVar:

NM_004409.5(DMPK):c.*224CTG[74]

Genes: DM1-AS (DM1 locus antisense RNA; plus strand), DMPK (DM1 protein kinase; minus strand), LOC107075317 (origin of replication in DMPK trinucleotide repeat region; plus strand), LOC109461477 (dystrophia myotonica protein kinase repeat instability region; plus strand). Cytogenetic location: 19q13.32.
Variant type: Microsatellite.
Coding change: c.*224CTG[74] on transcript NM_004409.5 (MANE Select); 74 copies in a row of the 3-base unit CTG starting at c.*224.
Molecular consequence: 3 prime UTR variant.
Genome position: GRCh38, VCF-style position (the base before the change): chr19:45,770,204. GRCh37 (hg19), VCF-style position (the base before the change): chr19:46,273,462.
Other names: DM1 CTG repeat expansion; c.*224CTG[74] (NM_001081560.3, NM_001288764.2, NM_001424165.1 and 1 more transcripts); c.*217CTG[74] (NM_001081562.3, NM_001288765.2, NM_001424162.1 and 2 more transcripts); c.*222_*224TGC[74] (NM_001081563.3); c.*369CTG[74] (NM_001288766.2, NM_001424164.1, NM_001424168.1).
Identifiers: ClinVar variation 188026 (VCV000188026.2), ClinGen allele CA915951856.

ClinVar aggregate classification (germline): Pathogenic (0 of 4 stars; one submission).

Conditions:
Steinert myotonic dystrophy syndrome (DM1). Also called: STEINERT DISEASE; Myotonic dystrophy type 1; Dystrophia myotonica type 1; Steinert myotonic dystrophy; Steinert's disease. Identifiers: Orphanet 273, MedGen C3250443, MONDO:0008056, OMIM 160900.

Submission:

Institute of Molecular, Cell and Systems Biology, University of Glasgow
Classification: Pathogenic for Steinert myotonic dystrophy syndrome. Review status: no assertion criteria provided. Criteria: research. Collection method: research. Allele origin: germline. Inheritance: Autosomal dominant inheritance. Affected: yes. Observed: 1 heterozygote.
Comment: DMPK CTG repeat expansions greater than approximately 45-50 repeats are assumed to be pathogenic

This record is based on data published in PubMed 25052313, which reports only ClinVar accessions SCV000120188 and SCV000120189. The complete data set includes SCV000207445 - SCV000207579.

Literature cited by the submitters: PubMed 1346923; PubMed 1546326; PubMed 25052313.